The following is an entry in ClinVar:

NM_145725.3(TRAF3):c.806C>T (p.Ser269Leu)

Gene: TRAF3 (TNF receptor associated factor 3; plus strand). Cytogenetic location: 14q32.32.
Variant type: single nucleotide variant.
Coding change: c.806C>T on transcript NM_145725.3 (MANE Select); coding-DNA position 806, C replaced by T.
Protein change: p.Ser269Leu; replaces serine 269 with leucine.
Molecular consequence: missense variant. On other transcripts: intron variant (1).
Genome position (GRCh38, 1-based): chr14:102,891,404, C>T. VCF-style: chr14-102891404-C-T. GRCh37 (hg19) VCF-style: chr14-103357741-C-T.
Other names: c.806C>T, p.Ser269Leu (NM_001385142.1, NM_003300.4); c.725C>T, p.Ser242Leu (NM_001385143.1); c.731C>T, p.Ser244Leu (NM_145726.3); c.571-5857C>T (NM_001199427.2); short protein forms S269L, S244L, S242L.
Identifiers: ClinVar variation 660898 (VCV000660898.9), dbSNP rs369640883, ClinGen allele CA7359394.

ClinVar aggregate classification (germline): Uncertain significance (1 of 4 stars; one submission).

Conditions:
Immunodeficiency 132A. Also called: Herpes simplex encephalitis, susceptibility to, 3. Identifiers: Orphanet 1930, MedGen C3553868, MONDO:0013920, OMIM 614849.

Allele frequency attached by ClinVar (database versions not stated): TOPMed 0.00001; gnomAD exomes 0.00024; 1000 Genomes Project 30x 0.00047; gnomAD 0.00001 and 0.00007; ESP Exome Variant Server 0.00008; ExAC 0.00033; 1000 Genomes Project 0.00040.
gnomAD v4.1: 160 of 1,612,218 alleles (0.0099%); highest among the groups gnomAD compares: South Asian, 0.17%; no homozygotes.

Submission:

Labcorp Genetics (formerly Invitae), Labcorp
Classification: Uncertain significance for Immunodeficiency 132A. Last evaluated: 2025-09-09. Review status: criteria provided, single submitter. Criteria: Invitae Variant Classification Sherloc (09022015). Collection method: clinical testing. Allele origin: germline.
Comment: This sequence change replaces serine, which is neutral and polar, with leucine, which is neutral and non-polar, at codon 269 of the TRAF3 protein (p.Ser269Leu). This variant is present in population databases (rs369640883, gnomAD 0.2%), and has an allele count higher than expected for a pathogenic variant. This variant has not been reported in the literature in individuals affected with TRAF3-related conditions. ClinVar contains an entry for this variant (Variation ID: 660898). An algorithm developed to predict the effect of missense changes on protein structure and function (PolyPhen-2) suggests that this variant is likely to be tolerated. In summary, the available evidence is currently insufficient to determine the role of this variant in disease. Therefore, it has been classified as a Variant of Uncertain Significance.